The following is an entry in ClinVar:

ClinVar aggregate classification (germline): Uncertain significance. Review status: criteria provided, multiple submitters, no conflicts (2 of 4 stars). 2 submissions from 2 submitters: Uncertain significance (2). Last evaluated 2025-04-25.

Submissions (2):

Labcorp Genetics (formerly Invitae), Labcorp
Classification: Uncertain significance. Last evaluated: 2025-04-25. Review status: criteria provided, single submitter. Criteria: Invitae Variant Classification Sherloc (09022015). Collection method: clinical testing. Allele origin: germline.
Comment: This sequence change replaces glutamic acid, which is acidic and polar, with lysine, which is basic and polar, at codon 747 of the ADNP protein (p.Glu747Lys). This variant is not present in population databases (gnomAD no frequency). This variant has not been reported in the literature in individuals affected with ADNP-related conditions. ClinVar contains an entry for this variant (Variation ID: 3069101). An algorithm developed to predict the effect of missense changes on protein structure and function (PolyPhen-2) suggests that this variant is likely to be disruptive. In summary, the available evidence is currently insufficient to determine the role of this variant in disease. Therefore, it has been classified as a Variant of Uncertain Significance.

Women's Health and Genetics/Laboratory Corporation of America, LabCorp
Classification: Uncertain significance. Last evaluated: 2024-02-29. Review status: criteria provided, single submitter. Criteria: LabCorp Variant Classification Summary - May 2015. Collection method: clinical testing. Allele origin: germline.
Comment: Variant summary: ADNP c.2239G>A (p.Glu747Lys) results in a conservative amino acid change located in the ADNP, zinc finger domain (IPR045762) of the encoded protein sequence. Three of five in-silico tools predict a benign effect of the variant on protein function. The variant was absent in 251066 control chromosomes. The available data on variant occurrences in the general population are insufficient to allow any conclusion about variant significance. To our knowledge, no occurrence of c.2239G>A in individuals affected with ADNP-Related Multiple Congenital Anomalies-Intellectual Disability-Autism Spectrum Disorder and no experimental evidence demonstrating its impact on protein function have been reported. No submitters have cited clinical-significance assessments for this variant to ClinVar. Based on the evidence outlined above, the variant was classified as uncertain significance.

NM_001282531.3(ADNP):c.2239G>A (p.Glu747Lys)

Gene: ADNP (activity dependent neuroprotector homeobox; minus strand). Cytogenetic location: 20q13.13.
Variant type: single nucleotide variant.
Coding change: c.2239G>A on transcript NM_001282531.3 (MANE Select); coding-DNA position 2239, G replaced by A.
Protein change: p.Glu747Lys; replaces glutamic acid 747 with lysine.
Molecular consequence: missense variant.
Genome position (GRCh38, 1-based): chr20:50,892,475, C>T on the plus strand (G>A on the coding strand, the complement: ADNP is on the minus strand). VCF-style: chr20-50892475-C-T. GRCh37 (hg19) VCF-style: chr20-49509012-C-T.
Other names: c.2239G>A, p.Glu747Lys (NM_001282532.2, NM_001347511.2, NM_015339.5 and 1 more transcripts); short protein forms E747K.
Identifiers: ClinVar variation 3069101 (VCV003069101.3), dbSNP rs1555809953, ClinGen allele CA408970900.